The following is an entry in ClinVar:

ClinVar aggregate classification (germline): Uncertain significance (1 of 4 stars; one submission).

Submission:

Labcorp Genetics (formerly Invitae), Labcorp
Classification: Uncertain significance. Last evaluated: 2021-02-05. Review status: criteria provided, single submitter. Criteria: Invitae Variant Classification Sherloc (09022015). Collection method: clinical testing. Allele origin: germline.
Comment: In summary, the available evidence is currently insufficient to determine the role of this variant in disease. Therefore, it has been classified as a Variant of Uncertain Significance. Algorithms developed to predict the effect of missense changes on protein structure and function are either unavailable or do not agree on the potential impact of this missense change (SIFT: "Not Available"; PolyPhen-2: "Benign"; Align-GVGD: "Not Available"). This variant has not been reported in the literature in individuals with MYO18B-related conditions. This variant is not present in population databases (ExAC no frequency). This sequence change replaces arginine with leucine at codon 959 of the MYO18B protein (p.Arg959Leu). The arginine residue is moderately conserved and there is a moderate physicochemical difference between arginine and leucine.

NM_032608.7(MYO18B):c.2876G>T (p.Arg959Leu)

Gene: MYO18B (myosin XVIIIB; plus strand). Cytogenetic location: 22q12.1.
Variant type: single nucleotide variant.
Coding change: c.2876G>T on transcript NM_032608.7 (MANE Select); coding-DNA position 2876, G replaced by T.
Protein change: p.Arg959Leu; replaces arginine 959 with leucine.
Molecular consequence: missense variant.
Genome position (GRCh38, 1-based): chr22:25,828,865, G>T. VCF-style: chr22-25828865-G-T. GRCh37 (hg19) VCF-style: chr22-26224832-G-T.
Other names: c.2876G>T, p.Arg959Leu (NM_001318245.2); short protein forms R959L.
Identifiers: ClinVar variation 1506921 (VCV001506921.6), dbSNP rs1438659317, ClinGen allele CA411000423.